The following is an entry in ClinVar:

ClinVar aggregate classification (germline): Uncertain significance (1 of 4 stars; one submission).

Allele frequency attached by ClinVar (database versions not stated): TOPMed 0.00001; gnomAD exomes 0.00004; 1000 Genomes Project 30x 0.00016; gnomAD 0.00001; 1000 Genomes Project 0.00020.
gnomAD v4.1: 53 of 1,614,118 alleles (0.0033%); highest among the groups gnomAD compares: Non-Finnish European, 0.0044%; no homozygotes.

Submission:

Labcorp Genetics (formerly Invitae), Labcorp
Classification: Uncertain significance. Last evaluated: 2025-12-15. Review status: criteria provided, single submitter. Criteria: Invitae Variant Classification Sherloc (09022015). Collection method: clinical testing. Allele origin: germline.
Comment: This sequence change replaces methionine, which is neutral and non-polar, with valine, which is neutral and non-polar, at codon 69 of the CACNA1D protein (p.Met69Val). This variant is present in population databases (rs575300482, gnomAD 0.007%). This variant has not been reported in the literature in individuals affected with CACNA1D-related conditions. ClinVar contains an entry for this variant (Variation ID: 2958972). An algorithm developed to predict the effect of missense changes on protein structure and function (PolyPhen-2) suggests that this variant is likely to be tolerated. Algorithms developed to predict the effect of sequence changes on RNA splicing suggest that this variant may create or strengthen a splice site. In summary, the available evidence is currently insufficient to determine the role of this variant in disease. Therefore, it has been classified as a Variant of Uncertain Significance.

NM_001128840.3(CACNA1D):c.205A>G (p.Met69Val)

Gene: CACNA1D (calcium voltage-gated channel subunit alpha1 D; plus strand). Cytogenetic location: 3p21.1.
Variant type: single nucleotide variant.
Coding change: c.205A>G on transcript NM_001128840.3 (MANE Select); coding-DNA position 205, A replaced by G.
Protein change: p.Met69Val; replaces methionine 69 with valine.
Molecular consequence: missense variant.
Genome position (GRCh38, 1-based): chr3:53,497,289, A>G. VCF-style: chr3-53497289-A-G. GRCh37 (hg19) VCF-style: chr3-53531316-A-G.
Other names: c.205A>G, p.Met69Val (NM_000720.4, NM_001128839.3); short protein forms M69V.
Identifiers: ClinVar variation 2958972 (VCV002958972.3), dbSNP rs575300482, ClinGen allele CA75053231.
Genomic context (GRCh38, chr3:53,497,289, plus strand): 5'-ACTGTCCTGTCTTGGCAAGCTGCAATCGATGCTGCTAGACAGGCCAAGGCTGCCCAAACT[A>G]TGAGCACCTCTGCACCCCCACCTGTAGGATCTCTCTCCCAAAGAAAACGTCAGCAATACG-3'
Protein context (NP_001122312.1, residues 59-79): AARQAKAAQT[Met69Val]STSAPPPVGS